The following is an entry in ClinVar:

ClinVar aggregate classification (germline): Benign. Review status: criteria provided, single submitter (1 of 4 stars). 2 submissions from 2 submitters: Benign (1). 1 of the submissions does not count toward it. Last evaluated 2025-11-03.

Conditions:
WNT9B-related disorder. Also called: WNT9B-related condition.

Allele frequency attached by ClinVar (database versions not stated): gnomAD exomes 0.00014 and 0.00044; ExAC 0.00051; ESP Exome Variant Server 0.00146; gnomAD 0.00173 and 0.00185; TOPMed 0.00198; 1000 Genomes Project 0.00200; 1000 Genomes Project 30x 0.00234.
gnomAD v4.1: 475 of 1,614,158 alleles (0.029%); highest among the groups gnomAD compares: African/African-American, 0.56%; no homozygotes.

Submissions (2):

Labcorp Genetics (formerly Invitae), Labcorp
Classification: Benign. Last evaluated: 2025-11-03. Review status: criteria provided, single submitter. Criteria: Invitae Variant Classification Sherloc (09022015). Collection method: clinical testing. Allele origin: germline.

PreventionGenetics, part of Exact Sciences
Classification: Likely benign for WNT9B-related condition. Last evaluated: 2022-06-01. Review status: no assertion criteria provided. Collection method: clinical testing. Allele origin: germline. Not counted in ClinVar's aggregate classification.
Comment: This variant is classified as likely benign based on ACMG/AMP sequence variant interpretation guidelines (Richards et al. 2015 PMID: 25741868, with internal and published modifications).

NM_003396.3(WNT9B):c.522C>A (p.Ser174Arg)

Genes: LRRC37A2 (leucine rich repeat containing 37 member A2), WNT9B (Wnt family member 9B; plus strand). Cytogenetic location: 17q21.32.
Variant type: single nucleotide variant.
Coding change: c.522C>A on transcript NM_003396.3 (MANE Select); coding-DNA position 522, C replaced by A.
Protein change: p.Ser174Arg; replaces serine 174 with arginine.
Molecular consequence: missense variant.
Genome position (GRCh38, 1-based): chr17:46,875,288, C>A. VCF-style: chr17-46875288-C-A. GRCh37 (hg19) VCF-style: chr17-44952654-C-A.
Other names: c.522C>A, p.Ser174Arg (NM_001320458.2); c.522C>A (NM_003396.2); short protein forms S174R.
Identifiers: ClinVar variation 1652936 (VCV001652936.10), dbSNP rs73987096, ClinGen allele CA8620920.